The following is an entry in ClinVar:

NM_005514.8(HLA-B):c.834G>A (p.Glu278=)

Gene: HLA-B (major histocompatibility complex, class I, B; minus strand). Cytogenetic location: 6p21.33.
Variant type: single nucleotide variant.
Coding change: c.834G>A on transcript NM_005514.8 (MANE Select); coding-DNA position 834, G replaced by A.
Protein change: p.Glu278=; no amino-acid change (glutamic acid 278 retained).
Molecular consequence: synonymous variant.
Genome position (GRCh38, 1-based): chr6:31,355,378, C>T on the plus strand (G>A on the coding strand, the complement: HLA-B is on the minus strand). VCF-style: chr6-31355378-C-T. GRCh37 (hg19) VCF-style: chr6-31323155-C-T.
Identifiers: ClinVar variation 3025081 (VCV003025081.22), dbSNP rs1065502, ClinGen allele CA3711342.
Genomic context (GRCh38, chr6:31,355,378, plus strand): 5'-CCATCTCAGGGTGAGGGGCTTCGGCAGCCCCTCATGCTGTACATGGCATGTGTATCTCTG[C>T]TCTTCTCCAGAAGGCACCACCACAGCTGCCCACTTCTGGAAGGTTCTATCTCCTGCTGGT-3'
Protein context (NP_005505.2, residues 268-288): WAAVVVPSGE[Glu278=]QRYTCHVQHE

ClinVar aggregate classification (germline): Likely benign (1 of 4 stars; one submission).

Allele frequency attached by ClinVar (database versions not stated): ExAC 0.00003.

Submission:

CeGaT Center for Human Genetics Tuebingen
Classification: Likely benign. Last evaluated: 2024-08-01. Review status: criteria provided, single submitter. Criteria: CeGaT Center For Human Genetics Tuebingen Variant Classification Criteria Version 2. Collection method: clinical testing. Allele origin: germline. Affected: yes. Observed: 2 variant alleles.
Comment: HLA-B: BP4, BP7